The following is an entry in ClinVar:

ClinVar aggregate classification (germline): Uncertain significance (0 of 4 stars; one submission).

Conditions:
Developmental and epileptic encephalopathy 108 (DEE108). Identifiers: MedGen C5774253, MONDO:0859314, OMIM 620115.

gnomAD v4.1: 75 of 1,613,452 alleles (0.0046%); highest among the groups gnomAD compares: South Asian, 0.057%; no homozygotes.

Submission:

Hong-Tao Li Lab, Institute of Brain Science and Brain-inspired Research, Shandong First Medical University & Shandong Academy of Medical Sciences China
Classification: Uncertain significance for Developmental and epileptic encephalopathy 108. Review status: no assertion criteria provided. Collection method: research. Allele origin: germline. Inheritance: Autosomal dominant inheritance. Affected: yes. Observed: 1 variant allele, 1 heterozygote.
Comment: Observed in affected individuals from a Pakistani neurodevelopmental-disorder research cohort of 263 individuals. Classification assigned using the ACMG/AMP framework. Population-frequency evidence: gnomAD AF 8.839e-05.

NM_001393504.1(MAST3):c.1153G>A (p.Gly385Ser)

Gene: MAST3 (microtubule associated serine/threonine kinase 3; plus strand). Cytogenetic location: 19p13.11.
Variant type: single nucleotide variant.
Coding change: c.1153G>A on transcript NM_001393504.1 (MANE Select); coding-DNA position 1153, G replaced by A.
Protein change: p.Gly385Ser; replaces glycine 385 with serine.
Molecular consequence: missense variant.
Genome position (GRCh38, 1-based): chr19:18,128,881, G>A. VCF-style: chr19-18128881-G-A. GRCh37 (hg19) VCF-style: chr19-18239691-G-A.
Other names: c.1066G>A, p.Gly356Ser (NM_015016.2, NM_001393514.1); c.1084G>A, p.Gly362Ser (NM_001393512.1, NM_001393517.1, NM_001393518.1 and 2 more transcripts); c.1105G>A, p.Gly369Ser (NM_001393513.1, NM_001393506.1); c.1063G>A, p.Gly355Ser (NM_001393515.1, NM_001393520.1); c.1087G>A, p.Gly363Ser (NM_001393516.1, NM_001393508.1); c.1081G>A, p.Gly361Ser (NM_001393519.1, NM_001393511.1); c.1039G>A, p.Gly347Ser (NM_001393521.1); c.1150G>A, p.Gly384Ser (NM_001393505.1); and 4 more; short protein forms G347S, G355S, G356S, G361S, G362S, G363S, G369S, G378S.
Identifiers: ClinVar variation 4884841 (VCV004884841.1).
Genomic context (GRCh38, chr19:18,128,881, plus strand): 5'-CAGCTCTGCAGCGGGGCAGGACCCTAAGCCCTTCCCATCCCCTAGAGCCGCGCCCTGGTC[G>A]GCCAGTCACGGAGGAAGCCATGCGAAAGCGACTTTGAGACCATCAAACTCATTAGCAACG-3'
Protein context (NP_001380433.1, residues 375-395): PESPESRALV[Gly385Ser]QSRRKPCESD